The following is an entry in ClinVar:

ClinVar aggregate classification (germline): Pathogenic. Review status: criteria provided, multiple submitters, no conflicts (2 of 4 stars). 2 submissions from 2 submitters: Pathogenic (2). Last evaluated 2023-04-23.

Submissions (2):

Labcorp Genetics (formerly Invitae), Labcorp
Classification: Pathogenic. Last evaluated: 2023-04-23. Review status: criteria provided, single submitter. Criteria: Invitae Variant Classification Sherloc (09022015). Collection method: clinical testing. Allele origin: germline.
Comment: This variant has not been reported in the literature in individuals affected with MUT-related conditions. This variant is present in population databases (no rsID available, gnomAD 0.01%). This sequence change creates a premature translational stop signal (p.Gly482Valfs*4) in the MUT gene. It is expected to result in an absent or disrupted protein product. Loss-of-function variants in MUT are known to be pathogenic (PMID: 15781192). ClinVar contains an entry for this variant (Variation ID: 870904). For these reasons, this variant has been classified as Pathogenic. Algorithms developed to predict the effect of sequence changes on RNA splicing suggest that this variant may disrupt the consensus splice site.

CeGaT Center for Human Genetics Tuebingen
Classification: Pathogenic. Last evaluated: 2018-07-01. Review status: criteria provided, single submitter. Criteria: CeGaT Center For Human Genetics Tuebingen Variant Classification Criteria Version 2. Collection method: clinical testing. Allele origin: germline. Affected: yes. Observed: 1 variant allele.

Literature cited by the submitters: PubMed 15781192 (cited by Labcorp Genetics (formerly Invitae), Labcorp).

NM_000255.4(MMUT):c.1444+1del

Gene: MMUT (methylmalonyl-CoA mutase; minus strand). Cytogenetic location: 6p12.3.
Variant type: Deletion.
Coding change: c.1444+1del on transcript NM_000255.4 (MANE Select); the canonical splice donor site of the intron after coding-DNA position 1444, one base deleted (G; older notation c.1444+1delG).
Molecular consequence: splice donor variant.
Genome position (GRCh38, 1-based): chr6:49,448,815, C deleted on the plus strand (G on the coding strand, the reverse complement: MMUT is on the minus strand); the first of 2 consecutive C bases (chr6:49,448,815-49,448,816); deleting either gives the same sequence. VCF-style (leftmost placement, unchanged base first): chr6-49448814-AC-A. GRCh37 (hg19) VCF-style: chr6-49416527-AC-A.
Identifiers: ClinVar variation 870904 (VCV000870904.47), dbSNP rs1189219556, ClinGen allele CA566930171.